The following is an entry in ClinVar:

NM_018489.3(ASH1L):c.8605G>A (p.Ala2869Thr)

Gene: ASH1L (ASH1 like histone lysine methyltransferase; minus strand). Cytogenetic location: 1q22.
Variant type: single nucleotide variant.
Coding change: c.8605G>A on transcript NM_018489.3 (MANE Select); coding-DNA position 8605, G replaced by A.
Protein change: p.Ala2869Thr; replaces alanine 2869 with threonine.
Molecular consequence: missense variant.
Genome position (GRCh38, 1-based): chr1:155,338,287, C>T on the plus strand (G>A on the coding strand, the complement: ASH1L is on the minus strand). VCF-style: chr1-155338287-C-T. GRCh37 (hg19) VCF-style: chr1-155308078-C-T.
Other names: c.8620G>A, p.Ala2874Thr (NM_001366177.2); short protein forms A2869T, A2874T.
Identifiers: ClinVar variation 4733610 (VCV004733610.1).

ClinVar aggregate classification (germline): Uncertain significance (1 of 4 stars; one submission).

gnomAD v4.1: 1 of 1,613,994 alleles (0.000062%); highest among the groups gnomAD compares: South Asian, 0.0011%; no homozygotes.

Submission:

Labcorp Genetics (formerly Invitae), Labcorp
Classification: Uncertain significance. Last evaluated: 2025-12-19. Review status: criteria provided, single submitter. Criteria: Invitae Variant Classification Sherloc (09022015). Collection method: clinical testing. Allele origin: germline.
Comment: This sequence change replaces alanine, which is neutral and non-polar, with threonine, which is neutral and polar, at codon 2869 of the ASH1L protein (p.Ala2869Thr). This variant is present in population databases (no rsID available, gnomAD 0.003%). This variant has not been reported in the literature in individuals affected with ASH1L-related conditions. An algorithm developed to predict the effect of missense changes on protein structure and function outputs the following: PolyPhen-2: "Benign". The threonine amino acid residue is found in multiple mammalian species, which suggests that this missense change does not adversely affect protein function. In summary, the available evidence is currently insufficient to determine the role of this variant in disease. Therefore, it has been classified as a Variant of Uncertain Significance.